The following is an entry in ClinVar:

ClinVar aggregate classification (germline): Uncertain significance (1 of 4 stars; one submission).

gnomAD v4.1: 24 of 1,609,240 alleles (0.0015%); highest among the groups gnomAD compares: South Asian, 0.0022%; no homozygotes.

Submission:

Labcorp Genetics (formerly Invitae), Labcorp
Classification: Uncertain significance. Last evaluated: 2025-07-30. Review status: criteria provided, single submitter. Criteria: Invitae Variant Classification Sherloc (09022015). Collection method: clinical testing. Allele origin: germline.
Comment: This sequence change replaces arginine, which is basic and polar, with histidine, which is basic and polar, at codon 669 of the PHIP protein (p.Arg669His). This variant is present in population databases (rs767564294, gnomAD 0.0009%). This variant has not been reported in the literature in individuals affected with PHIP-related conditions. Invitae Evidence Modeling of protein sequence and biophysical properties (such as structural, functional, and spatial information, amino acid conservation, physicochemical variation, residue mobility, and thermodynamic stability) has been performed for this missense variant. However, the output from this modeling did not meet the statistical confidence thresholds required to predict the impact of this variant on PHIP protein function. In summary, the available evidence is currently insufficient to determine the role of this variant in disease. Therefore, it has been classified as a Variant of Uncertain Significance.

NM_017934.7(PHIP):c.2006G>A (p.Arg669His)

Gene: PHIP (PHIP subunit of CUL4-Ring ligase complex; minus strand). Cytogenetic location: 6q14.1.
Variant type: single nucleotide variant.
Coding change: c.2006G>A on transcript NM_017934.7 (MANE Select); coding-DNA position 2006, G replaced by A.
Protein change: p.Arg669His; replaces arginine 669 with histidine.
Molecular consequence: missense variant.
Genome position (GRCh38, 1-based): chr6:78,998,265, C>T on the plus strand (G>A on the coding strand, the complement: PHIP is on the minus strand). VCF-style: chr6-78998265-C-T. GRCh37 (hg19) VCF-style: chr6-79707982-C-T.
Other names: short protein forms R669H.
Identifiers: ClinVar variation 4781148 (VCV004781148.1).
Genomic context (GRCh38, chr6:78,998,265, plus strand): 5'-GCTGTTTCAAATTTTTAAATATTTCACTTAAAATAGAATACCTGCTTACCTCTACTTAAA[C>T]GGCTGGTATTACTGATAACTGCTTCACCAGAACGTCTCAGGTCTTGCTCCTGTTGTAGTC-3'
Protein context (NP_060404.4, residues 659-679): SGEAVISNTS[Arg669His]LSRGSISSTS